The following is an entry in ClinVar:

ClinVar aggregate classification (germline): Uncertain significance (1 of 4 stars; one submission).

Conditions:
Inborn genetic diseases. Identifiers: MedGen C0950123, MeSH D030342.

Submission:

Ambry Genetics
Classification: Uncertain significance for Inborn genetic diseases. Last evaluated: 2025-06-19. Review status: criteria provided, single submitter. Criteria: Ambry Variant Classification Scheme 2023. Collection method: clinical testing. Allele origin: germline.
Comment: The p.Y609H variant (also known as c.1825T>C), located in coding exon 11 of the FANCM gene, results from a T to C substitution at nucleotide position 1825. The tyrosine at codon 609 is replaced by histidine, an amino acid with similar properties. This amino acid position is conserved. In addition, this alteration is predicted to be tolerated by in silico analysis. Based on the available evidence, the clinical significance of this variant remains unclear.

NM_020937.4(FANCM):c.1825T>C (p.Tyr609His)

Gene: FANCM (FA complementation group M; plus strand). Cytogenetic location: 14q21.2.
Variant type: single nucleotide variant.
Coding change: c.1825T>C on transcript NM_020937.4 (MANE Select); coding-DNA position 1825, T replaced by C.
Protein change: p.Tyr609His; replaces tyrosine 609 with histidine.
Molecular consequence: missense variant.
Genome position (GRCh38, 1-based): chr14:45,166,986, T>C. VCF-style: chr14-45166986-T-C. GRCh37 (hg19) VCF-style: chr14-45636189-T-C.
Other names: c.1747T>C, p.Tyr583His (NM_001308133.2); c.1825T>C, p.Tyr609His (NM_001308134.2); short protein forms Y609H, Y583H.
Identifiers: ClinVar variation 4254526 (VCV004254526.1).